The following is an entry in ClinVar:

NM_015512.5(DNAH1):c.6841T>C (p.Phe2281Leu)

Gene: DNAH1 (dynein axonemal heavy chain 1; plus strand). Cytogenetic location: 3p21.1.
Variant type: single nucleotide variant.
Coding change: c.6841T>C on transcript NM_015512.5 (MANE Select); coding-DNA position 6841, T replaced by C.
Protein change: p.Phe2281Leu; replaces phenylalanine 2281 with leucine.
Molecular consequence: missense variant.
Genome position (GRCh38, 1-based): chr3:52,372,909, T>C. VCF-style: chr3-52372909-T-C. GRCh37 (hg19) VCF-style: chr3-52406925-T-C.
Other names: short protein forms F2281L.
Identifiers: ClinVar variation 2116113 (VCV002116113.4), dbSNP rs2471237590, ClinGen allele CA353166745.

ClinVar aggregate classification (germline): Uncertain significance (1 of 4 stars; one submission).

Conditions:
Spermatogenic failure 18. Identifiers: MedGen C4539783, MONDO:0054615, OMIM 617576.
Ciliary dyskinesia, primary, 37 (CILD37). Also called: CILIARY DYSKINESIA, PRIMARY, 37, WITH OR WITHOUT SITUS INVERSUS. Identifiers: MedGen C4539798, MONDO:0033204, OMIM 617577.

Submission:

Labcorp Genetics (formerly Invitae), Labcorp
Classification: Uncertain significance for Ciliary dyskinesia, primary, 37; Spermatogenic failure 18. Last evaluated: 2025-05-05. Review status: criteria provided, single submitter. Criteria: Invitae Variant Classification Sherloc (09022015). Collection method: clinical testing. Allele origin: germline.
Comment: This sequence change replaces phenylalanine, which is neutral and non-polar, with leucine, which is neutral and non-polar, at codon 2281 of the DNAH1 protein (p.Phe2281Leu). This variant is not present in population databases (gnomAD no frequency). This variant has not been reported in the literature in individuals affected with DNAH1-related conditions. ClinVar contains an entry for this variant (Variation ID: 2116113). Invitae Evidence Modeling of protein sequence and biophysical properties (such as structural, functional, and spatial information, amino acid conservation, physicochemical variation, residue mobility, and thermodynamic stability) indicates that this missense variant is not expected to disrupt DNAH1 protein function with a negative predictive value of 80%. In summary, the available evidence is currently insufficient to determine the role of this variant in disease. Therefore, it has been classified as a Variant of Uncertain Significance.